The following is an entry in ClinVar:

NM_000535.7(PMS2):c.972del (p.Asn324fs)

Gene: PMS2 (PMS1 homolog 2, mismatch repair system component; minus strand). Cytogenetic location: 7p22.1.
Variant type: Deletion.
Coding change: c.972del on transcript NM_000535.7 (MANE Select); coding-DNA position 972, one base deleted (C; older notation c.972delC).
Protein change: p.Asn324fs; shifts the reading frame from asparagine 324.
Molecular consequence: frameshift variant. On other transcripts: non-coding transcript variant (1), intron variant (1).
Genome position (GRCh38, 1-based): chr7:5,991,989, G deleted on the plus strand (C on the coding strand, the reverse complement: PMS2 is on the minus strand). VCF-style (leftmost placement, unchanged base first): chr7-5991988-TG-T. GRCh37 (hg19) VCF-style: chr7-6031619-TG-T.
Other names: c.567delC, p.Asn189Lysfs (NM_001018040.1); c.567del, p.Asn189fs (NM_001322003.2, NM_001322004.2, NM_001322005.2 and 19 more transcripts); c.972del, p.Asn324fs (NM_001322006.2, NM_001322014.2, NM_001406870.1 and 2 more transcripts); c.654del, p.Asn218fs (NM_001322007.2, NM_001322008.2, NM_001406876.1 and 4 more transcripts); c.39del, p.Asn13fs (NM_001322011.2, NM_001322012.2); c.399del, p.Asn133fs (NM_001322013.2, NM_001406909.1); c.663del, p.Asn221fs (NM_001322015.2, NM_001406875.1, NM_001406877.1 and 6 more transcripts); c.1158del, p.Asn386fs (NM_001406866.1); and 9 more; short protein forms N133fs, N13fs, N153fs, N189fs, N202fs, N212fs, N218fs, N221fs.
Identifiers: ClinVar variation 2674022 (VCV002674022.1), dbSNP rs2536006365, ClinGen allele CA2695198411.

ClinVar aggregate classification (germline): Pathogenic (1 of 4 stars; one submission).

Conditions:
Lynch syndrome 4 (LYNCH4). Also called: Hereditary non-polyposis colorectal cancer, type 4; Colorectal cancer, hereditary nonpolyposis, type 4. Identifiers: Orphanet 144, MedGen C1838333, MONDO:0013699, OMIM 614337. Disease mechanism: loss of function.

Submission:

Myriad Genetics, Inc.
Classification: Pathogenic for Lynch syndrome 4. Last evaluated: 2023-12-06. Review status: criteria provided, single submitter. Criteria: Myriad Autosomal Dominant, Autosomal Recessive and X-Linked Classification Criteria (2023). Collection method: clinical testing. Allele origin: unknown.
Comment: This variant is considered pathogenic. This variant creates a frameshift predicted to result in premature protein truncation.